The following is an entry in ClinVar:

NM_138694.4(PKHD1):c.10036T>C (p.Cys3346Arg)

Gene: PKHD1 (PKHD1 ciliary IPT domain containing fibrocystin/polyductin; minus strand). Cytogenetic location: 6p12.3.
Variant type: single nucleotide variant.
Coding change: c.10036T>C on transcript NM_138694.4 (MANE Select); coding-DNA position 10036, T replaced by C.
Protein change: p.Cys3346Arg; replaces cysteine 3346 with arginine.
Molecular consequence: missense variant.
Genome position (GRCh38, 1-based): chr6:51,744,505, A>G on the plus strand (T>C on the coding strand, the complement: PKHD1 is on the minus strand). VCF-style: chr6-51744505-A-G. GRCh37 (hg19) VCF-style: chr6-51609303-A-G.
Other names: NM_138694.3(PKHD1):c.10036T>C(p.Cys3346Arg); NM_170724.2(PKHD1):c.10036T>C(p.Cys3346Arg); c.10036T>C, p.Cys3346Arg (NM_170724.3); short protein forms C3346R.
Identifiers: ClinVar variation 198306 (VCV000198306.38), dbSNP rs149798764, ClinGen allele CA246877.
Genomic context (GRCh38, chr6:51,744,505, plus strand): 5'-GAGGCAGACCCAGGGCTCTCCCATCCAGATCCTTGAAGAGATATTTTCTTGGACTTGCAC[A>G]GTCTAATTCAGGACAGACTACTTTTCCTAAATCTTTCCTGTGAAGACAGTCAAAAAGCAA-3'
Protein context (NP_619639.3, residues 3336-3356): LGKVVCPELD[Cys3346Arg]ASPRKYLFKD

ClinVar aggregate classification (germline): Conflicting classifications of pathogenicity. Review status: criteria provided, conflicting classifications (1 of 4 stars). 21 submissions from 20 submitters: Likely pathogenic (1); Uncertain significance (15). 5 of the submissions do not count toward it. Last evaluated 2026-09-15.

Conditions:
PKHD1-related disorder. Also called: PKHD1-related condition.
Polycystic kidney disease 4 (PKD4). Also called: POLYCYSTIC KIDNEY AND HEPATIC DISEASE 1; POLYCYSTIC KIDNEY DISEASE, INFANTILE, TYPE I; Autosomal Recessive Polycystic Kidney Disease – PKHD1; POLYCYSTIC KIDNEY DISEASE 4 WITH OR WITHOUT POLYCYSTIC LIVER DISEASE; PKD3. Identifiers: MedGen C4540575, MONDO:0033004, OMIM 263200.
Colon cancer. Also called: Malignant tumor of colon. Identifiers: MedGen C0007102, MONDO:0021063, HP:0003003.
Autosomal recessive polycystic kidney disease (ARPKD). Also called: AR polycystic kidney disease. Identifiers: Orphanet 731, Orphanet 8378, MedGen C0085548, MeSH D017044, MONDO:0009889.

Allele frequency attached by ClinVar (database versions not stated): gnomAD 0.00024 and 0.00026; TOPMed 0.00035; ESP Exome Variant Server 0.00023; gnomAD exomes 0.00033 and 0.00022; ExAC 0.00034.
gnomAD v4.1: 384 of 1,613,362 alleles (0.024%); highest among the groups gnomAD compares: Middle Eastern, 0.53%; 2 homozygotes.

Submissions 1 to 16 of 21:

PreventionGenetics, part of Exact Sciences
Classification: Uncertain significance for PKHD1-related condition. Last evaluated: 2026-09-15. Review status: criteria provided, single submitter. Criteria: ACMG Guidelines, 2015. Collection method: clinical testing. Allele origin: germline.
Comment: The PKHD1 c.10036T>C variant is predicted to result in the amino acid substitution p.Cys3346Arg. This variant has been reported with an additional PKHD1 variant in individuals with polycystic kidney disease (PKD, Rossetti et al. 2003. PubMed ID: 12846734; Tavira et al. 2015. PubMed ID: 25701400; Table S2, Domingo-Gallego et al. 2022. PubMed ID: 33532864; Nigro et al. 2023. PubMed ID: 37372416). This variant has also been reported as the only PKHD1 variant found in a PKD patient, but the patient also carried a causative variant in the PKD1 gene (Eisenberger et al. 2015. PubMed ID: 25646624). This variant is reported in 0.11% of alleles in individuals of Ashkenazi Jewish descent in gnomAD, including one homozygote. This population data is relatively high to be a primary cause for disease. This variant has conflicting classifications in the ClinVar database ranging from uncertain to pathogenic (Variation ID: 198306). At this time, the clinical significance of this variant is uncertain due to the absence of conclusive functional and genetic evidence.

Women's Health and Genetics/Laboratory Corporation of America, LabCorp
Classification: Uncertain significance. Last evaluated: 2025-11-04. Review status: criteria provided, single submitter. Criteria: LabCorp Variant Classification Summary - May 2015. Collection method: clinical testing. Allele origin: germline.
Comment: Variant summary: PKHD1 c.10036T>C (p.Cys3346Arg) results in a non-conservative amino acid change in the encoded protein sequence. Algorithms developed to predict the effect of missense changes on protein structure and function all suggest that this variant is likely to be disruptive. The variant allele was found at a frequency of 0.00024 in 1613362 control chromosomes in the gnomAD database, including 2 homozygotes. This frequency is not significantly higher than estimated for disease-causing variants in PKHD1, allowing no conclusion about variant significance. c.10036T>C has been reported in the presumed compound heterozygous state in the literature in multiple individuals affected with clinical features of Polycystic Kidney And Hepatic Disease (Rossetti_2003, Tabira_2015, Domingo-Gallego_2022, Nigro_2023) and has been suggested in at least 1 study to be a very low (<5%) penetrance variant, however these assertions could not be independently validated (example, Miko_2021). These data indicate that the variant may be associated with disease. To our knowledge, no experimental evidence demonstrating an impact on protein function has been reported. The following publications have been ascertained in the context of this evaluation (PMID: 33532864, 14741187, 12846734, 15805161, 25701400, 15108277, 25646624, 29844865, 36550190, 40223084, 34426522, 26354092, 21493627, 36657418, 34405919, 22563501, 27884173, 39473742, 33716212, 37372416, 33742171). ClinVar contains an entry for this variant (Variation ID: 198306). Based on the evidence outlined above, the variant was classified as VUS-possibly pathogenic.

Blueprint Genetics
Classification: Uncertain significance. Last evaluated: 2024-10-22. Review status: criteria provided, single submitter. Criteria: ACMG Guidelines, 2015. Collection method: clinical testing. Allele origin: germline.

Genomic Medicine Center of Excellence, King Faisal Specialist Hospital and Research Centre
Classification: Uncertain significance for Polycystic kidney disease 4. Last evaluated: 2024-03-26. Review status: criteria provided, single submitter. Criteria: ACMG Guidelines, 2015. Collection method: clinical testing. Allele origin: germline.

Fulgent Genetics
Classification: Uncertain significance for Polycystic kidney disease 4. Last evaluated: 2024-01-24. Review status: criteria provided, single submitter. Criteria: ACMG Guidelines, 2015. Collection method: clinical testing. Allele origin: germline.

Revvity Omics, Revvity
Classification: Uncertain significance for Polycystic kidney disease 4. Last evaluated: 2023-05-02. Review status: criteria provided, single submitter. Criteria: ACMG Guidelines, 2015. Collection method: clinical testing. Allele origin: germline.

Mayo Clinic Laboratories, Mayo Clinic
Classification: Uncertain significance. Last evaluated: 2022-11-21. Review status: criteria provided, single submitter. Criteria: ACMG Guidelines, 2015. Collection method: clinical testing. Allele origin: germline. Observed: 1 variant allele.
Comment: PP3, PM3

Labcorp Genetics (formerly Invitae), Labcorp
Classification: Uncertain significance for Autosomal recessive polycystic kidney disease. Last evaluated: 2022-08-20. Review status: criteria provided, single submitter. Criteria: Invitae Variant Classification Sherloc (09022015). Collection method: clinical testing. Allele origin: germline.
Comment: This sequence change replaces cysteine, which is neutral and slightly polar, with arginine, which is basic and polar, at codon 3346 of the PKHD1 protein (p.Cys3346Arg). This variant is present in population databases (rs149798764, gnomAD 0.1%), including at least one homozygous and/or hemizygous individual. This missense change has been observed in individual(s) with autosomal recessive polycystic kidney disease (PMID: 12846734, 25701400). ClinVar contains an entry for this variant (Variation ID: 198306). Advanced modeling of protein sequence and biophysical properties (such as structural, functional, and spatial information, amino acid conservation, physicochemical variation, residue mobility, and thermodynamic stability) performed at Invitae indicates that this missense variant is expected to disrupt PKHD1 protein function. In summary, the available evidence is currently insufficient to determine the role of this variant in disease. Therefore, it has been classified as a Variant of Uncertain Significance.

Pars Genome Lab
Classification: Uncertain significance for Polycystic kidney disease 4. Last evaluated: 2021-05-18. Review status: criteria provided, single submitter. Criteria: ACMG Guidelines, 2015. Collection method: clinical testing. Allele origin: germline. Affected: no.

Baylor Genetics
Classification: Uncertain significance for Polycystic kidney disease 4. Last evaluated: 2020-04-07. Review status: criteria provided, single submitter. Criteria: ACMG Guidelines, 2015. Collection method: clinical testing. Allele origin: unknown. Affected: yes.
Comment: This variant was determined to be of uncertain significance according to ACMG Guidelines, 2015 [PMID:25741868].

Dubai Health Genomic Medicine Center, Dubai Health
Classification: Uncertain significance for Polycystic kidney disease 4. Last evaluated: 2020-01-06. Review status: criteria provided, single submitter. Criteria: ACMG Guidelines, 2015. Collection method: clinical testing. Allele origin: germline. Affected: yes.

Fulgent Genetics
Classification: Uncertain significance for Polycystic kidney disease 4. Last evaluated: 2018-10-31. Review status: criteria provided, single submitter. Criteria: ACMG Guidelines, 2015. Collection method: clinical testing. Allele origin: unknown.

Eurofins Ntd Llc (ga)
Classification: Uncertain significance. Last evaluated: 2018-06-11. Review status: criteria provided, single submitter. Criteria: EGL ClinVar v180209 classification definitions. Collection method: clinical testing. Allele origin: germline. Observed: 10 variant alleles, 10 heterozygotes.

SIB Swiss Institute of Bioinformatics
Classification: Uncertain significance for Polycystic kidney disease 4. Last evaluated: 2018-05-31. Review status: criteria provided, single submitter. Criteria: ACMG Guidelines, 2015. Collection method: curation. Allele origin: unknown.
Comment: This variant is interpreted as a Uncertain Significance - Conflicting Evidence, for Polycystic kidney disease 4 with or without polycystic liver disease, in Autosomal Recessive manner. The following ACMG Tag(s) were applied: PP3 => Multiple lines of computational evidence support a deleterious effect on the gene or gene product. PM3 => For recessive disorders, detected in trans with a pathogenic variant (PMID:12846734). BS2 => Observed in a healthy adult individual for a recessive (homozygous), dominant (heterozygous), or X-linked (hemizygous) disorder, with full penetrance expected at an early age.

Department of Genetics, Sultan Qaboos University Hospital
Classification: Uncertain significance for Polycystic kidney disease 4. Last evaluated: 2017-12-30. Review status: criteria provided, single submitter. Criteria: ACMG Guidelines, 2015. Collection method: clinical testing. Allele origin: unknown. Affected: yes.

Kariminejad - Najmabadi Pathology & Genetics Center
Classification: Likely pathogenic for Polycystic kidney disease 4. Review status: criteria provided, single submitter. Criteria: ACMG Guidelines, 2015. Collection method: clinical testing. Allele origin: germline. Affected: no.